The following is an entry in ClinVar:

ClinVar aggregate classification (germline): Uncertain significance (1 of 4 stars; one submission).

Conditions:
Hypertrophic cardiomyopathy 26. Also called: Cardiomyopathy, familial hypertrophic, 26. Identifiers: Orphanet 75249, MedGen C4310749, MONDO:0014883, OMIM 617047.
Myofibrillar myopathy 5. Also called: FILAMINOPATHY, AUTOSOMAL DOMINANT; Filaminopathy (type). Identifiers: Orphanet 171445, MedGen C1836050, MONDO:0012289, OMIM 609524.
Distal myopathy with posterior leg and anterior hand involvement. Also called: WILLIAMS DISTAL MYOPATHY. Identifiers: Orphanet 63273, MedGen C3279722, MONDO:0013550, OMIM 614065.

gnomAD v4.1: 1 of 1,613,708 alleles (0.000062%); no homozygotes.

Submission:

Labcorp Genetics (formerly Invitae), Labcorp
Classification: Uncertain significance for Distal myopathy with posterior leg and anterior hand involvement; Myofibrillar myopathy 5; Hypertrophic cardiomyopathy 26. Last evaluated: 2021-11-01. Review status: criteria provided, single submitter. Criteria: Invitae Variant Classification Sherloc (09022015). Collection method: clinical testing. Allele origin: germline.
Comment: In summary, the available evidence is currently insufficient to determine the role of this variant in disease. Therefore, it has been classified as a Variant of Uncertain Significance. Algorithms developed to predict the effect of missense changes on protein structure and function are either unavailable or do not agree on the potential impact of this missense change (SIFT: "Deleterious"; PolyPhen-2: "Possibly Damaging"; Align-GVGD: "Class C0"). This variant has not been reported in the literature in individuals affected with FLNC-related conditions. This variant is not present in population databases (gnomAD no frequency). This sequence change replaces isoleucine, which is neutral and non-polar, with methionine, which is neutral and non-polar, at codon 714 of the FLNC protein (p.Ile714Met).

NM_001458.5(FLNC):c.2142C>G (p.Ile714Met)

Genes: FLNC (filamin C; plus strand), LOC129999273 (ATAC-STARR-seq lymphoblastoid silent region 18616; plus strand). Cytogenetic location: 7q32.1.
Variant type: single nucleotide variant.
Coding change: c.2142C>G on transcript NM_001458.5 (MANE Select); coding-DNA position 2142, C replaced by G.
Protein change: p.Ile714Met; replaces isoleucine 714 with methionine.
Molecular consequence: missense variant.
Genome position (GRCh38, 1-based): chr7:128,842,251, C>G. VCF-style: chr7-128842251-C-G. GRCh37 (hg19) VCF-style: chr7-128482305-C-G.
Other names: c.2142C>G, p.Ile714Met (NM_001127487.2); short protein forms I714M.
Identifiers: ClinVar variation 1406727 (VCV001406727.6), dbSNP rs199595235, ClinGen allele CA369228655.